The following is an entry in ClinVar:

ClinVar aggregate classification (germline): Uncertain significance (1 of 4 stars; one submission).

Submission:

Ambry Genetics
Classification: Uncertain significance. Last evaluated: 2026-03-23. Review status: criteria provided, single submitter. Criteria: Ambry Variant Classification Scheme 2023. Collection method: clinical testing. Allele origin: germline.
Comment: The p.G1371A variant (also known as c.4112G>C), located in coding exon 11 of the MLH3 gene, results from a G to C substitution at nucleotide position 4112. The glycine at codon 1371 is replaced by alanine, an amino acid with similar properties. This amino acid position is conserved. In addition, this alteration is predicted to be tolerated by in silico analysis. Based on the available evidence, the clinical significance of this variant remains unclear.

NM_001040108.2(MLH3):c.4112G>C (p.Gly1371Ala)

Gene: MLH3 (mutL homolog 3; minus strand). Cytogenetic location: 14q24.3.
Variant type: single nucleotide variant.
Coding change: c.4112G>C on transcript NM_001040108.2 (MANE Select); coding-DNA position 4112, G replaced by C.
Protein change: p.Gly1371Ala; replaces glycine 1371 with alanine.
Molecular consequence: missense variant.
Genome position (GRCh38, 1-based): chr14:75,018,959, C>G on the plus strand (G>C on the coding strand, the complement: MLH3 is on the minus strand). VCF-style: chr14-75018959-C-G. GRCh37 (hg19) VCF-style: chr14-75485662-C-G.
Other names: c.4040G>C, p.Gly1347Ala (NM_014381.3); short protein forms G1347A, G1371A.
Identifiers: ClinVar variation 4860169 (VCV004860169.1).